The following is an entry in ClinVar:

NM_001113378.2(FANCI):c.2292-1G>T

Gene: FANCI (FA complementation group I; plus strand). Cytogenetic location: 15q26.1.
Variant type: single nucleotide variant.
Coding change: c.2292-1G>T on transcript NM_001113378.2 (MANE Select); the canonical splice acceptor site of the intron before coding-DNA position 2292, G replaced by T.
Molecular consequence: splice acceptor variant.
Genome position (GRCh38, 1-based): chr15:89,293,832, G>T. VCF-style: chr15-89293832-G-T. GRCh37 (hg19) VCF-style: chr15-89837063-G-T.
Other names: c.2292-1G>T (NM_018193.3, NM_001376911.1); c.2013-1G>T (NM_001376910.1).
Identifiers: ClinVar variation 2766801 (VCV002766801.5), dbSNP rs2507438903, ClinGen allele CA393749967.
Genomic context (GRCh38, chr15:89,293,832, plus strand): 5'-TAAAAGTAAACCACAATATTCTGATGTTTGTCCTTAGCGGTCTCTTTTTTGTTTTTTACA[G>T]TAAGAATAGGTTTGAGGACATTCTGAGCTTATTTATGTGTTACAAAAAACTCTCTGACAT-3'

ClinVar aggregate classification (germline): Likely pathogenic. Review status: criteria provided, multiple submitters, no conflicts (2 of 4 stars). 2 submissions from 2 submitters: Likely pathogenic (2). Last evaluated 2025-02-16.
ClinVar aggregate classification (oncogenicity): Uncertain significance (1 of 4 stars; one submission).

Conditions:
Fanconi anemia (FA). Also called: Fanconi's anemia. Identifiers: Orphanet 84, MedGen C0015625, MeSH D005199, MONDO:0019391.
Neoplasm. Also called: Neoplasms; Neoplasm (disease); tumor. Identifiers: MedGen C0027651, MeSH D009369, MONDO:0005070, HP:0002664.

Submissions (3):

Center for Genomic Medicine, Rigshospitalet, Copenhagen University Hospital
Classification: Uncertain significance for Neoplasm. Last evaluated: 2025-12-29. Review status: criteria provided, single submitter. Criteria: ClinGen/CGC/VICC Guidelines for Oncogenicity, 2022. Collection method: clinical testing. Allele origin: somatic. Affected: yes.

Laboratory of Genetics, Children's Clinical University Hospital Latvia
Classification: Likely pathogenic. Last evaluated: 2025-02-16. Review status: criteria provided, single submitter. Criteria: ACMG Guidelines, 2015. Collection method: clinical testing. Allele origin: germline. Affected: yes.

Labcorp Genetics (formerly Invitae), Labcorp
Classification: Likely pathogenic for Fanconi anemia. Last evaluated: 2023-10-15. Review status: criteria provided, single submitter. Criteria: Invitae Variant Classification Sherloc (09022015). Collection method: clinical testing. Allele origin: germline.
Comment: This sequence change affects an acceptor splice site in intron 22 of the FANCI gene. It is expected to disrupt RNA splicing. Variants that disrupt the donor or acceptor splice site typically lead to a loss of protein function (PMID: 16199547), and loss-of-function variants in FANCI are known to be pathogenic (PMID: 17452773, 17460694). This variant is not present in population databases (gnomAD no frequency). This variant has not been reported in the literature in individuals affected with FANCI-related conditions. Algorithms developed to predict the effect of sequence changes on RNA splicing suggest that this variant may disrupt the consensus splice site. In summary, the currently available evidence indicates that the variant is pathogenic, but additional data are needed to prove that conclusively. Therefore, this variant has been classified as Likely Pathogenic.

Literature cited by the submitters: PubMed 16199547 (cited by Labcorp Genetics (formerly Invitae), Labcorp); PubMed 17452773 (cited by Labcorp Genetics (formerly Invitae), Labcorp); PubMed 17460694 (cited by Labcorp Genetics (formerly Invitae), Labcorp).